The following is an entry in ClinVar:

ClinVar aggregate classification (germline): Pathogenic. Review status: criteria provided, multiple submitters, no conflicts (2 of 4 stars). 3 submissions from 3 submitters: Pathogenic (2). 1 of the submissions does not count toward it. Last evaluated 2025-06-29.

Conditions:
X-linked immunodeficiency with magnesium defect, Epstein-Barr virus infection and neoplasia. Identifiers: Orphanet 317476, MedGen C3275445, MONDO:0010455, OMIM 300853.
Congenital disorder of glycosylation, type ICC. Identifiers: MedGen C5231393, MONDO:0026729, OMIM 301031.
Congenital disorder of glycosylation (CDG). Also called: Carbohydrate-deficient glycoprotein syndrome; Congenital disorders of glycosylation. Identifiers: Orphanet 137, MedGen C0282577, MONDO:0015286.

Submissions (3):

Labcorp Genetics (formerly Invitae), Labcorp
Classification: Pathogenic for X-linked immunodeficiency with magnesium defect, Epstein-Barr virus infection and neoplasia. Last evaluated: 2025-06-29. Review status: criteria provided, single submitter. Criteria: Invitae Variant Classification Sherloc (09022015). Collection method: clinical testing. Allele origin: germline.
Comment: This sequence change creates a premature translational stop signal (p.Arg331*) in the MAGT1 gene. It is expected to result in an absent or disrupted protein product. Loss-of-function variants in MAGT1 are known to be pathogenic (PMID: 24550228). This variant is not present in population databases (gnomAD no frequency). This premature translational stop signal has been observed in individual(s) with MAGT1-related conditions (PMID: 31036665). ClinVar contains an entry for this variant (Variation ID: 625837). Algorithms developed to predict the effect of variants on gene product structure and function are not available or were not evaluated for this variant. Experimental studies have shown that this premature translational stop signal affects MAGT1 function (PMID: 31036665). For these reasons, this variant has been classified as Pathogenic.

Center for Human Genetics, University of Leuven
Classification: Pathogenic for MAGT1-CDG. Last evaluated: 2018-07-01. Review status: criteria provided, single submitter. Criteria: ACMG Guidelines, 2015. Collection method: clinical testing, research. Allele origin: de novo. Inheritance: X-linked inheritance. Affected: yes. Observed: 1 hemizygote.
Comment: LOF mutation, Functional assays were performed to assess the functionality of the protein

OMIM
Classification: Pathogenic for CONGENITAL DISORDER OF GLYCOSYLATION, TYPE Icc. Last evaluated: 2019-09-09. Review status: no assertion criteria provided. Collection method: literature only. Allele origin: germline. Not counted in ClinVar's aggregate classification.

Literature cited by the submitters: PubMed 24550228 (cited by Labcorp Genetics (formerly Invitae), Labcorp); PubMed 31036665 (cited by Labcorp Genetics (formerly Invitae), Labcorp and OMIM).

NM_001367916.1(MAGT1):c.895C>T (p.Arg299Ter)

Gene: MAGT1 (magnesium transporter 1; minus strand). Cytogenetic location: Xq21.1.
Variant type: single nucleotide variant.
Coding change: c.895C>T on transcript NM_001367916.1 (MANE Select); coding-DNA position 895, C replaced by T.
Protein change: p.Arg299Ter; replaces arginine 299 with a stop codon.
Molecular consequence: nonsense.
Genome position (GRCh38, 1-based): chrX:77,841,252, G>A on the plus strand (C>T on the coding strand, the complement: MAGT1 is on the minus strand). VCF-style: chrX-77841252-G-A. GRCh37 (hg19) VCF-style: chrX-77096749-G-A.
Other names: c.991C>T, p.Arg331Ter (LRG_353t1, NM_032121.5); short protein forms R331*, R299*.
Identifiers: ClinVar variation 625837 (VCV000625837.11), dbSNP rs1569547876, ClinGen allele CA413711426.